The following is an entry in ClinVar:

NM_001379500.1(COL18A1):c.1715C>A (p.Ala572Asp)

Gene: COL18A1 (collagen type XVIII alpha 1 chain; plus strand). Cytogenetic location: 21q22.3.
Variant type: single nucleotide variant.
Coding change: c.1715C>A on transcript NM_001379500.1 (MANE Select); coding-DNA position 1715, C replaced by A.
Protein change: p.Ala572Asp; replaces alanine 572 with aspartic acid.
Molecular consequence: missense variant.
Genome position (GRCh38, 1-based): chr21:45,486,874, C>A. VCF-style: chr21-45486874-C-A. GRCh37 (hg19) VCF-style: chr21-46906788-C-A.
Other names: NM_130445.2:c.1715C>A; c.2255C>A, p.Ala752Asp (NM_030582.4); c.2960C>A, p.Ala987Asp (NM_130444.3); short protein forms A752D, A572D, A987D.
Identifiers: ClinVar variation 1431990 (VCV001431990.7), dbSNP rs944134774, ClinGen allele CA410496177.
Genomic context (GRCh38, chr21:45,486,874, plus strand): 5'-AGCGGGGGCTGGGCTGGGTCCTGACACGCTCTCCTCACCCCACGCAGGGGAGCAAGGGAG[C>A]CCCCGGTCCTGCTGGTGCTCGTGGGGAGAGCGGCCTGGCAGGAGCCCCCGGACCTGCTGG-3'
Protein context (NP_001366429.1, residues 562-582): GAPGHKGSKG[Ala572Asp]PGPAGARGES

ClinVar aggregate classification (germline): Uncertain significance. Review status: criteria provided, multiple submitters, no conflicts (2 of 4 stars). 2 submissions from 2 submitters: Uncertain significance (2). Last evaluated 2026-02-03.

Submissions (2):

GeneDx
Classification: Uncertain significance. Last evaluated: 2026-02-03. Review status: criteria provided, single submitter. Criteria: GeneDx Variant Classification Process June 2021. Collection method: clinical testing. Allele origin: germline.
Comment: Not observed at significant frequency in large population cohorts (gnomAD); In silico analysis suggests that this missense variant does not alter protein structure/function; Has not been previously published as pathogenic or benign to our knowledge

Labcorp Genetics (formerly Invitae), Labcorp
Classification: Uncertain significance. Last evaluated: 2022-06-05. Review status: criteria provided, single submitter. Criteria: Invitae Variant Classification Sherloc (09022015). Collection method: clinical testing. Allele origin: germline.
Comment: ClinVar contains an entry for this variant (Variation ID: 1431990). This sequence change replaces alanine, which is neutral and non-polar, with aspartic acid, which is acidic and polar, at codon 572 of the COL18A1 protein (p.Ala572Asp). This variant is not present in population databases (gnomAD no frequency). This variant has not been reported in the literature in individuals affected with COL18A1-related conditions. Experimental studies and prediction algorithms are not available or were not evaluated, and the functional significance of this variant is currently unknown. In summary, the available evidence is currently insufficient to determine the role of this variant in disease. Therefore, it has been classified as a Variant of Uncertain Significance.